The following is an entry in ClinVar:

ClinVar aggregate classification (germline): Uncertain significance (1 of 4 stars; one submission).

Conditions:
Charcot-Marie-Tooth disease dominant intermediate B (CMTDIB). Also called: CHARCOT-MARIE-TOOTH NEUROPATHY, DOMINANT INTERMEDIATE B; Charcot-Marie-Tooth disease dominant intermediate 1; CMT DI1; Charcot-Marie-Tooth disease dominant intermediate I. Identifiers: Orphanet 100044, Orphanet 228179, MedGen C1847902, MONDO:0011674, OMIM 606482.

gnomAD v4.1: 1 of 1,613,894 alleles (0.000062%); no homozygotes.

Submission:

Labcorp Genetics (formerly Invitae), Labcorp
Classification: Uncertain significance for Charcot-Marie-Tooth disease dominant intermediate B. Last evaluated: 2025-10-01. Review status: criteria provided, single submitter. Criteria: Invitae Variant Classification Sherloc (09022015). Collection method: clinical testing. Allele origin: germline.
Comment: This sequence change replaces methionine, which is neutral and non-polar, with threonine, which is neutral and polar, at codon 722 of the DNM2 protein (p.Met722Thr). This variant is not present in population databases (gnomAD no frequency). This variant has not been reported in the literature in individuals affected with DNM2-related conditions. Invitae Evidence Modeling of protein sequence and biophysical properties (such as structural, functional, and spatial information, amino acid conservation, physicochemical variation, residue mobility, and thermodynamic stability) indicates that this missense variant is not expected to disrupt DNM2 protein function with a negative predictive value of 95%. In summary, the available evidence is currently insufficient to determine the role of this variant in disease. Therefore, it has been classified as a Variant of Uncertain Significance.

NM_001005361.3(DNM2):c.2165T>C (p.Met722Thr)

Gene: DNM2 (dynamin 2; plus strand). Cytogenetic location: 19p13.2.
Variant type: single nucleotide variant.
Coding change: c.2165T>C on transcript NM_001005361.3 (MANE Select); coding-DNA position 2165, T replaced by C.
Protein change: p.Met722Thr; replaces methionine 722 with threonine.
Molecular consequence: missense variant.
Genome position (GRCh38, 1-based): chr19:10,829,142, T>C. VCF-style: chr19-10829142-T-C. GRCh37 (hg19) VCF-style: chr19-10939818-T-C.
Other names: c.2165T>C, p.Met722Thr (NM_001005360.3, NM_001190716.2); c.2153T>C, p.Met718Thr (NM_001005362.3, NM_004945.4); short protein forms M718T, M722T.
Identifiers: ClinVar variation 4809462 (VCV004809462.1).
Genomic context (GRCh38, chr19:10,829,142, plus strand): 5'-CGGCAGACCAGAGCAGCCTCATGGAGGAGTCGGCTGACCAGGCACAGCGGCGGGACGACA[T>C]GCTGCGCATGTACCATGCCCTCAAGGAGGCGCTCAACATCATCGGTGACATCAGCACCAG-3'
Protein context (NP_001005361.1, residues 712-732): SADQAQRRDD[Met722Thr]LRMYHALKEA